The following is an entry in ClinVar:

NM_004415.4(DSP):c.8515_8517delinsAGT (p.Ser2839=)

Gene: DSP (desmoplakin; plus strand). Cytogenetic location: 6p24.3.
Variant type: Indel.
Coding change: c.8515_8517delinsAGT on transcript NM_004415.4 (MANE Select); coding-DNA positions 8515 to 8517, TCC replaced by AGT.
Protein change: p.Ser2839=; no amino-acid change (serine 2839 retained).
Molecular consequence: synonymous variant.
Genome position (GRCh38, 1-based): chr6:7,585,777-7,585,779, TCC replaced by AGT. VCF-style: chr6-7585777-TCC-AGT. GRCh37 (hg19) VCF-style: chr6-7586010-TCC-AGT.
Other names: c.8515_8517delinsAGT (NM_004415.2); c.8515_8517delTCCinsAGT (LRG_423t1); c.6718_6720delinsAGT, p.Ser2240= (NM_001008844.3); c.7186_7188delinsAGT, p.Ser2396= (NM_001319034.2).
Identifiers: ClinVar variation 510815 (VCV000510815.11), dbSNP rs1554109285, ClinGen allele CA658796723.

ClinVar aggregate classification (germline): Conflicting classifications of pathogenicity. Review status: criteria provided, conflicting classifications (1 of 4 stars). 4 submissions from 4 submitters: Uncertain significance (1); Likely benign (3). Last evaluated 2025-11-22.

Conditions:
Cardiomyopathy (CMYO). Also called: Cardiomyopathies. Identifiers: Orphanet 167848, MedGen C0878544, MONDO:0004994, HP:0001638. Inheritance: Various modes of inheritance.
Cardiovascular phenotype. Identifiers: MedGen CN230736.
Arrhythmogenic right ventricular dysplasia 8 (ARVD8). Also called: Arrhythmogenic Right Ventricular Dysplasia/Cardiomyopathy 8; ARRHYTHMOGENIC RIGHT VENTRICULAR DYSPLASIA, FAMILIAL, 8; ARRHYTHMOGENIC RIGHT VENTRICULAR CARDIOMYOPATHY 8. Identifiers: MedGen C1843896, MONDO:0011831, OMIM 607450.
Arrhythmogenic cardiomyopathy with wooly hair and keratoderma. Also called: Carvajal syndrome; Dilated cardiomyopathy with woolly hair and keratoderma; Arrhythmogenic cardiomyopathy with woolly hair and keratoderma; PALMOPLANTAR KERATODERMA WITH LEFT VENTRICULAR CARDIOMYOPATHY AND WOOLLY HAIR. Identifiers: Orphanet 65282, MedGen C1854063, MONDO:0011581, OMIM 605676.

Submissions (4):

Labcorp Genetics (formerly Invitae), Labcorp
Classification: Uncertain significance for Arrhythmogenic cardiomyopathy with wooly hair and keratoderma; Arrhythmogenic right ventricular dysplasia 8. Last evaluated: 2025-11-22. Review status: criteria provided, single submitter. Criteria: Invitae Variant Classification Sherloc (09022015). Collection method: clinical testing. Allele origin: germline.
Comment: This sequence change affects codon 2839 of the DSP mRNA. It is a 'silent' change, meaning that it does not change the encoded amino acid sequence of the DSP protein. Information on the frequency of this variant in the gnomAD database is not available, as this variant may be reported differently in the database. This variant has been observed in individual(s) with arrhythmogenic cardiomyopathy (internal data). An algorithm developed to predict the effect of missense changes on protein structure and function (PolyPhen-2) suggests that this variant is likely to be disruptive. Experimental studies and prediction algorithms are not available or were not evaluated, and the effect of this variant on mRNA splicing is currently unknown. In summary, the available evidence is currently insufficient to determine the role of this variant in disease. Therefore, it has been classified as a Variant of Uncertain Significance.

Ambry Genetics
Classification: Likely benign for Cardiovascular phenotype. Last evaluated: 2023-04-10. Review status: criteria provided, single submitter. Criteria: Ambry Variant Classification Scheme 2023. Collection method: clinical testing. Allele origin: germline.

GeneDx
Classification: Likely benign. Last evaluated: 2019-08-28. Review status: criteria provided, single submitter. Criteria: GeneDx Variant Classification Process June 2021. Collection method: clinical testing. Allele origin: germline. Affected: yes.

Color Diagnostics, LLC DBA Color Health
Classification: Likely benign for Cardiomyopathy. Last evaluated: 2019-04-20. Review status: criteria provided, single submitter. Criteria: ACMG Guidelines, 2015. Collection method: clinical testing. Allele origin: germline.